The following is an entry in ClinVar:

ClinVar aggregate classification (germline): Uncertain significance (1 of 4 stars; one submission).

Submission:

Labcorp Genetics (formerly Invitae), Labcorp
Classification: Uncertain significance. Last evaluated: 2022-08-03. Review status: criteria provided, single submitter. Criteria: Invitae Variant Classification Sherloc (09022015). Collection method: clinical testing. Allele origin: germline.
Comment: In summary, the available evidence is currently insufficient to determine the role of this variant in disease. Therefore, it has been classified as a Variant of Uncertain Significance. Algorithms developed to predict the effect of missense changes on protein structure and function are either unavailable or do not agree on the potential impact of this missense change (SIFT: "Tolerated"; PolyPhen-2: "Probably Damaging"; Align-GVGD: "Class C0"). This variant has not been reported in the literature in individuals affected with HOXB13-related conditions. This variant is not present in population databases (gnomAD no frequency). This sequence change replaces glutamic acid, which is acidic and polar, with glutamine, which is neutral and polar, at codon 271 of the HOXB13 protein (p.Glu271Gln).

NM_006361.6(HOXB13):c.811G>C (p.Glu271Gln)

Gene: HOXB13 (homeobox B13; minus strand). Cytogenetic location: 17q21.32.
Variant type: single nucleotide variant.
Coding change: c.811G>C on transcript NM_006361.6 (MANE Select); coding-DNA position 811, G replaced by C.
Protein change: p.Glu271Gln; replaces glutamic acid 271 with glutamine.
Molecular consequence: missense variant.
Genome position (GRCh38, 1-based): chr17:48,726,834, C>G on the plus strand (G>C on the coding strand, the complement: HOXB13 is on the minus strand). VCF-style: chr17-48726834-C-G. GRCh37 (hg19) VCF-style: chr17-46804196-C-G.
Other names: short protein forms E271Q.
Identifiers: ClinVar variation 2123749 (VCV002123749.4), dbSNP rs1597932467, ClinGen allele CA400105487.